The following is an entry in ClinVar:

ClinVar aggregate classification (germline): Uncertain significance. Review status: criteria provided, multiple submitters, no conflicts (2 of 4 stars). 2 submissions from 2 submitters: Uncertain significance (2). Last evaluated 2025-09-28.

Conditions:
SAG-related disorder. Also called: SAG-related disorders; SAG-related condition.

Allele frequency attached by ClinVar (database versions not stated): gnomAD exomes 0.00001.
gnomAD v4.1: 19 of 1,613,782 alleles (0.0012%); highest among the groups gnomAD compares: Non-Finnish European, 0.0014%; no homozygotes.

Submissions (2):

PreventionGenetics, part of Exact Sciences
Classification: Uncertain significance for SAG-related condition. Last evaluated: 2025-09-28. Review status: criteria provided, single submitter. Criteria: ACMG Guidelines, 2015. Collection method: clinical testing. Allele origin: germline.
Comment: The SAG c.959T>C variant is predicted to result in the amino acid substitution p.Ile320Thr. To our knowledge, this variant has not been reported in the literature. This variant is reported in 0.0018% of alleles in individuals of European (Non-Finnish) descent in gnomAD. At this time, the clinical significance of this variant is uncertain due to the absence of conclusive functional and genetic evidence.

Labcorp Genetics (formerly Invitae), Labcorp
Classification: Uncertain significance. Last evaluated: 2020-11-25. Review status: criteria provided, single submitter. Criteria: Invitae Variant Classification Sherloc (09022015). Collection method: clinical testing. Allele origin: germline.
Comment: This sequence change replaces isoleucine with threonine at codon 320 of the SAG protein (p.Ile320Thr). The isoleucine residue is moderately conserved and there is a moderate physicochemical difference between isoleucine and threonine. In summary, the available evidence is currently insufficient to determine the role of this variant in disease. Therefore, it has been classified as a Variant of Uncertain Significance. Algorithms developed to predict the effect of missense changes on protein structure and function (SIFT, PolyPhen-2, Align-GVGD) all suggest that this variant is likely to be tolerated, but these predictions have not been confirmed by published functional studies and their clinical significance is uncertain. This variant has not been reported in the literature in individuals with SAG-related conditions. This variant is not present in population databases (ExAC no frequency).

NM_000541.5(SAG):c.959T>C (p.Ile320Thr)

Gene: SAG (S-antigen visual arrestin; plus strand). Cytogenetic location: 2q37.1.
Variant type: single nucleotide variant.
Coding change: c.959T>C on transcript NM_000541.5 (MANE Select); coding-DNA position 959, T replaced by C.
Protein change: p.Ile320Thr; replaces isoleucine 320 with threonine.
Molecular consequence: missense variant.
Genome position (GRCh38, 1-based): chr2:233,338,690, T>C. VCF-style: chr2-233338690-T-C. GRCh37 (hg19) VCF-style: chr2-234247336-T-C.
Other names: c.959T>C (NM_000541.4); short protein forms I320T.
Identifiers: ClinVar variation 1500457 (VCV001500457.9), dbSNP rs1218725435, ClinGen allele CA351048816.
Genomic context (GRCh38, chr2:233,338,690, plus strand): 5'-CCTCCTCTGCTCTCCATCATTCTCCTTTTCCCTTCTGTTTGGGCAGCATTAAGGAGGGCA[T>C]AGACCGGACCGTCCTGGGAATCCTGGTGTCTTACCAGATCAAGGTGAAGCTCACAGTGTC-3'
Protein context (NP_000532.2, residues 310-330): LASSTIIKEG[Ile320Thr]DRTVLGILVS